The following is an entry in ClinVar:

NM_020693.4(DSCAML1):c.3769C>T (p.Arg1257Cys)

Gene: DSCAML1 (DS cell adhesion molecule like 1; minus strand). Cytogenetic location: 11q23.3.
Variant type: single nucleotide variant.
Coding change: c.3769C>T on transcript NM_020693.4 (MANE Select); coding-DNA position 3769, C replaced by T.
Protein change: p.Arg1257Cys; replaces arginine 1257 with cysteine.
Molecular consequence: missense variant.
Genome position (GRCh38, 1-based): chr11:117,443,979, G>A on the plus strand (C>T on the coding strand, the complement: DSCAML1 is on the minus strand). VCF-style: chr11-117443979-G-A. GRCh37 (hg19) VCF-style: chr11-117314695-G-A.
Other names: short protein forms R1257C.
Identifiers: ClinVar variation 1944727 (VCV001944727.5), dbSNP rs767351865, ClinGen allele CA6296588.

ClinVar aggregate classification (germline): Uncertain significance (1 of 4 stars; one submission).

Allele frequency attached by ClinVar (database versions not stated): TOPMed below 0.00001; ExAC 0.00001.
gnomAD v4.1: 4 of 1,613,928 alleles (0.00025%); highest among the groups gnomAD compares: Admixed American, 0.0033%; no homozygotes.

Submission:

Labcorp Genetics (formerly Invitae), Labcorp
Classification: Uncertain significance. Last evaluated: 2022-10-24. Review status: criteria provided, single submitter. Criteria: Invitae Variant Classification Sherloc (09022015). Collection method: clinical testing. Allele origin: germline.
Comment: Algorithms developed to predict the effect of missense changes on protein structure and function (SIFT, PolyPhen-2, Align-GVGD) all suggest that this variant is likely to be disruptive. In summary, the available evidence is currently insufficient to determine the role of this variant in disease. Therefore, it has been classified as a Variant of Uncertain Significance. This variant has not been reported in the literature in individuals affected with DSCAML1-related conditions. This variant is present in population databases (rs767351865, gnomAD 0.006%). This sequence change replaces arginine, which is basic and polar, with cysteine, which is neutral and slightly polar, at codon 1317 of the DSCAML1 protein (p.Arg1317Cys).